The following is an entry in ClinVar:

NM_003118.4(SPARC):c.209A>G (p.Asn70Ser)

Gene: SPARC (secreted protein acidic and cysteine rich; minus strand). Cytogenetic location: 5q33.1.
Variant type: single nucleotide variant.
Coding change: c.209A>G on transcript NM_003118.4 (MANE Select); coding-DNA position 209, A replaced by G.
Protein change: p.Asn70Ser; replaces asparagine 70 with serine.
Molecular consequence: missense variant.
Genome position (GRCh38, 1-based): chr5:151,671,694, T>C on the plus strand (A>G on the coding strand, the complement: SPARC is on the minus strand). VCF-style: chr5-151671694-T-C. GRCh37 (hg19) VCF-style: chr5-151051255-T-C.
Other names: p.Asn70Ser; c.209A>G (NM_003118.2); c.206A>G, p.Asn69Ser (NM_001309443.2); c.209A>G, p.Asn70Ser (NM_001309444.2); short protein forms N70S, N69S.
Identifiers: ClinVar variation 716348 (VCV000716348.14), dbSNP rs13359508, ClinGen allele CA3522767.

ClinVar aggregate classification (germline): Conflicting classifications of pathogenicity. Review status: criteria provided, conflicting classifications (1 of 4 stars). 5 submissions from 5 submitters: Uncertain significance (1); Likely benign (3). 1 of the submissions does not count toward it. Last evaluated 2026-01-22.

Conditions:
Inborn genetic diseases. Identifiers: MedGen C0950123, MeSH D030342.
SPARC-related disorder. Also called: SPARC-related condition.

Allele frequency attached by ClinVar (database versions not stated): gnomAD exomes 0.00021 and 0.00057; ExAC 0.00070; ESP Exome Variant Server 0.00215; gnomAD 0.00230 and 0.00253; 1000 Genomes Project 30x 0.00234; TOPMed 0.00253; 1000 Genomes Project 0.00260.
gnomAD v4.1: 695 of 1,613,588 alleles (0.043%); highest among the groups gnomAD compares: African/African-American, 0.77%; 1 homozygote.

Submissions (5):

Labcorp Genetics (formerly Invitae), Labcorp
Classification: Likely benign. Last evaluated: 2026-01-22. Review status: criteria provided, single submitter. Criteria: Invitae Variant Classification Sherloc (09022015). Collection method: clinical testing. Allele origin: germline.

Mayo Clinic Laboratories, Mayo Clinic
Classification: Likely benign. Last evaluated: 2025-02-17. Review status: criteria provided, single submitter. Criteria: ACMG Guidelines, 2015. Collection method: clinical testing. Allele origin: germline. Observed: 3 variant alleles.
Comment: BS2, BP4_moderate

Ambry Genetics
Classification: Uncertain significance for Inborn genetic diseases. Last evaluated: 2024-11-27. Review status: criteria provided, single submitter. Criteria: Ambry Variant Classification Scheme 2023. Collection method: clinical testing. Allele origin: germline.

Blueprint Genetics
Classification: Likely benign. Last evaluated: 2024-11-01. Review status: criteria provided, single submitter. Criteria: ACMG Guidelines, 2015. Collection method: clinical testing. Allele origin: germline.

PreventionGenetics, part of Exact Sciences
Classification: Likely benign for SPARC-related condition. Last evaluated: 2020-06-10. Review status: no assertion criteria provided. Collection method: clinical testing. Allele origin: germline. Not counted in ClinVar's aggregate classification.
Comment: This variant is classified as likely benign based on ACMG/AMP sequence variant interpretation guidelines (Richards et al. 2015 PMID: 25741868, with internal and published modifications).